The following is an entry in ClinVar:

ClinVar aggregate classification (germline): Uncertain significance (1 of 4 stars; one submission).

Conditions:
CHARGE syndrome (CHARGE). Also called: Hittner Hirsch Kreh syndrome; CHARGE ASSOCIATION--COLOBOMA, HEART ANOMALY, CHOANAL ATRESIA, RETARDATION, GENITAL AND EAR ANOMALIES; Coloboma, heart anomaly, choanal atresia, retardation, genital and ear anomalies; CHARGE association; Hall-Hittner syndrome. Identifiers: Orphanet 138, MedGen C0265354, MONDO:0008965.

Submission:

Labcorp Genetics (formerly Invitae), Labcorp
Classification: Uncertain significance for CHARGE syndrome. Last evaluated: 2022-03-10. Review status: criteria provided, single submitter. Criteria: Invitae Variant Classification Sherloc (09022015). Collection method: clinical testing. Allele origin: germline.
Comment: In summary, the available evidence is currently insufficient to determine the role of this variant in disease. Therefore, it has been classified as a Variant of Uncertain Significance. Algorithms developed to predict the effect of missense changes on protein structure and function output the following: SIFT: "Tolerated"; PolyPhen-2: "Benign"; Align-GVGD: "Class C0". The arginine amino acid residue is found in multiple mammalian species, which suggests that this missense change does not adversely affect protein function. This variant has not been reported in the literature in individuals affected with SEMA3E-related conditions. This variant is not present in population databases (gnomAD no frequency). This sequence change replaces histidine, which is basic and polar, with arginine, which is basic and polar, at codon 94 of the SEMA3E protein (p.His94Arg).

NM_012431.3(SEMA3E):c.281A>G (p.His94Arg)

Gene: SEMA3E (semaphorin 3E; minus strand). Cytogenetic location: 7q21.11.
Variant type: single nucleotide variant.
Coding change: c.281A>G on transcript NM_012431.3 (MANE Select); coding-DNA position 281, A replaced by G.
Protein change: p.His94Arg; replaces histidine 94 with arginine.
Molecular consequence: missense variant.
Genome position (GRCh38, 1-based): chr7:83,469,298, T>C on the plus strand (A>G on the coding strand, the complement: SEMA3E is on the minus strand). VCF-style: chr7-83469298-T-C. GRCh37 (hg19) VCF-style: chr7-83098614-T-C.
Other names: c.101A>G, p.His34Arg (NM_001178129.2); short protein forms H34R, H94R.
Identifiers: ClinVar variation 2028146 (VCV002028146.4), dbSNP rs2484444408, ClinGen allele CA367936200.